The following is an entry in ClinVar:

NM_000038.6(APC):c.*1535G>T

Gene: APC (APC regulator of WNT signaling pathway; plus strand). Cytogenetic location: 5q22.2.
Variant type: single nucleotide variant.
Coding change: c.*1535G>T on transcript NM_000038.6 (MANE Select); 1535 bases downstream of the stop codon, G replaced by T.
Molecular consequence: 3 prime UTR variant.
Genome position (GRCh38, 1-based): chr5:112,845,661, G>T. VCF-style: chr5-112845661-G-T. GRCh37 (hg19) VCF-style: chr5-112181358-G-T.
Other names: c.*1535G>T (NM_001127510.3, NM_001127511.3, NM_001354895.2 and 11 more transcripts).
Identifiers: ClinVar variation 82639 (VCV000082639.2), dbSNP rs76017392, ClinGen allele CA005260.

ClinVar aggregate classification (germline): other (0 of 4 stars; one submission).

Conditions:
Familial colorectal cancer. Identifiers: MedGen CN280943, MONDO:0023113. Disease mechanism: loss of function.

Allele frequency attached by ClinVar (database versions not stated): gnomAD exomes 0.00007.
gnomAD v4.1: 5 of 232,054 alleles (0.0022%); highest among the groups gnomAD compares: East Asian, 0.03%; no homozygotes.

Submission:

Systems Biology Platform Zhejiang California International NanoSystems Institute
Classification: other for Familial colorectal cancer. Review status: no assertion criteria provided. Collection method: not provided. Allele origin: unknown.
ClinVar note: Converted during submission from cancer to other.